The following is an entry in ClinVar:

NM_001243133.2(NLRP3):c.1915G>T (p.Asp639Tyr)

Gene: NLRP3 (NLR family pyrin domain containing 3; plus strand). Cytogenetic location: 1q44.
Variant type: single nucleotide variant.
Coding change: c.1915G>T on transcript NM_001243133.2 (MANE Select); coding-DNA position 1915, G replaced by T.
Protein change: p.Asp639Tyr; replaces aspartic acid 639 with tyrosine.
Molecular consequence: missense variant.
Genome position (GRCh38, 1-based): chr1:247,425,364, G>T. VCF-style: chr1-247425364-G-T. GRCh37 (hg19) VCF-style: chr1-247588666-G-T.
Other names: c.1915G>T, p.Asp639Tyr (NM_001079821.3, NM_001127461.3, NM_001127462.3 and 1 more transcripts); c.1921G>T, p.Asp641Tyr (NM_004895.5); short protein forms D639Y, D641Y.
Identifiers: ClinVar variation 4800149 (VCV004800149.1).

ClinVar aggregate classification (germline): Uncertain significance (1 of 4 stars; one submission).

Conditions:
Cryopyrin associated periodic syndrome (CAPS). Identifiers: Orphanet 208650, MedGen C2316212, MONDO:0016168.

Submission:

Labcorp Genetics (formerly Invitae), Labcorp
Classification: Uncertain significance for Cryopyrin associated periodic syndrome. Last evaluated: 2025-08-01. Review status: criteria provided, single submitter. Criteria: Invitae Variant Classification Sherloc (09022015). Collection method: clinical testing. Allele origin: germline.
Comment: This sequence change replaces aspartic acid, which is acidic and polar, with tyrosine, which is neutral and polar, at codon 641 of the NLRP3 protein (p.Asp641Tyr). This variant is not present in population databases (gnomAD no frequency). This variant has not been reported in the literature in individuals affected with NLRP3-related conditions. Invitae Evidence Modeling of protein sequence and biophysical properties (such as structural, functional, and spatial information, amino acid conservation, physicochemical variation, residue mobility, and thermodynamic stability) indicates that this missense variant is expected to disrupt NLRP3 protein function with a positive predictive value of 80%. In summary, the available evidence is currently insufficient to determine the role of this variant in disease. Therefore, it has been classified as a Variant of Uncertain Significance.